The following is an entry in ClinVar:

NM_002890.3(RASA1):c.2828T>C (p.Leu943Pro)

Genes: CCNH (cyclin H; minus strand), RASA1 (RAS p21 protein activator 1; plus strand). Cytogenetic location: 5q14.3.
Variant type: single nucleotide variant.
Coding change: c.2828T>C on transcript NM_002890.3 (MANE Select); coding-DNA position 2828, T replaced by C.
Protein change: p.Leu943Pro; replaces leucine 943 with proline.
Molecular consequence: missense variant. On other transcripts: intron variant (1).
Genome position (GRCh38, 1-based): chr5:87,385,370, T>C. VCF-style: chr5-87385370-T-C. GRCh37 (hg19) VCF-style: chr5-86681187-T-C.
Other names: c.2297T>C, p.Leu766Pro (NM_022650.3); c.933+9674A>G (NM_001364075.2); short protein forms L943P, L766P.
Identifiers: ClinVar variation 2098268 (VCV002098268.4), dbSNP rs2531380332, ClinGen allele CA360386753.

ClinVar aggregate classification (germline): Uncertain significance (1 of 4 stars; one submission).

Conditions:
Capillary malformation-arteriovenous malformation syndrome. Also called: Capillary malformation-arteriovenous malformation. Identifiers: Orphanet 137667, MedGen C1842180, MONDO:0012016.

Submission:

Labcorp Genetics (formerly Invitae), Labcorp
Classification: Uncertain significance for Capillary malformation-arteriovenous malformation syndrome. Last evaluated: 2022-07-26. Review status: criteria provided, single submitter. Criteria: Invitae Variant Classification Sherloc (09022015). Collection method: clinical testing. Allele origin: germline.
Comment: In summary, the available evidence is currently insufficient to determine the role of this variant in disease. Therefore, it has been classified as a Variant of Uncertain Significance. Algorithms developed to predict the effect of missense changes on protein structure and function (SIFT, PolyPhen-2, Align-GVGD) all suggest that this variant is likely to be disruptive. This variant has not been reported in the literature in individuals affected with RASA1-related conditions. This variant is not present in population databases (gnomAD no frequency). This sequence change replaces leucine, which is neutral and non-polar, with proline, which is neutral and non-polar, at codon 943 of the RASA1 protein (p.Leu943Pro).